The following is an entry in ClinVar:

ClinVar aggregate classification (germline): Uncertain significance (1 of 4 stars; one submission).

Conditions:
X-linked myopathy with excessive autophagy (AVM). Also called: Vacuolar myopathy; Autophagic vacuolar myopathy. Identifiers: Orphanet 25980, MedGen C1839615, MONDO:0010684, OMIM 310440.

gnomAD v4.1: 1 of 1,206,319 alleles (0.000083%); highest among the groups gnomAD compares: South Asian, 0.0018%; no homozygotes.

Submission:

Labcorp Genetics (formerly Invitae), Labcorp
Classification: Uncertain significance for X-linked myopathy with excessive autophagy. Last evaluated: 2025-02-09. Review status: criteria provided, single submitter. Criteria: Invitae Variant Classification Sherloc (09022015). Collection method: clinical testing. Allele origin: germline.
Comment: This sequence change replaces alanine, which is neutral and non-polar, with proline, which is neutral and non-polar, at codon 24 of the VMA21 protein (p.Ala24Pro). This variant is not present in population databases (gnomAD no frequency). This variant has not been reported in the literature in individuals affected with VMA21-related conditions. An algorithm developed to predict the effect of missense changes on protein structure and function (PolyPhen-2) suggests that this variant is likely to be disruptive. In summary, the available evidence is currently insufficient to determine the role of this variant in disease. Therefore, it has been classified as a Variant of Uncertain Significance.

NM_001017980.4(VMA21):c.70G>C (p.Ala24Pro)

Gene: VMA21 (vacuolar ATPase assembly factor VMA21; plus strand). Cytogenetic location: Xq28.
Variant type: single nucleotide variant.
Coding change: c.70G>C on transcript NM_001017980.4 (MANE Select); coding-DNA position 70, G replaced by C.
Protein change: p.Ala24Pro; replaces alanine 24 with proline.
Molecular consequence: missense variant.
Genome position (GRCh38, 1-based): chrX:151,403,647, G>C. VCF-style: chrX-151403647-G-C. GRCh37 (hg19) VCF-style: chrX-150572119-G-C.
Other names: c.235G>C, p.Ala79Pro (NM_001363810.1); short protein forms A24P, A79P.
Identifiers: ClinVar variation 4712642 (VCV004712642.1).